The following is an entry in ClinVar:

ClinVar aggregate classification (germline): Uncertain significance (1 of 4 stars; one submission).

Allele frequency attached by ClinVar (database versions not stated): gnomAD exomes 0.00002; ExAC 0.00003; gnomAD 0.00004 and 0.00005; TOPMed 0.00006.
gnomAD v4.1: 43 of 1,614,120 alleles (0.0027%); highest among the groups gnomAD compares: Middle Eastern, 0.049%; no homozygotes.

Submission:

Labcorp Genetics (formerly Invitae), Labcorp
Classification: Uncertain significance. Last evaluated: 2021-12-03. Review status: criteria provided, single submitter. Criteria: Invitae Variant Classification Sherloc (09022015). Collection method: clinical testing. Allele origin: germline.
Comment: This sequence change replaces alanine, which is neutral and non-polar, with threonine, which is neutral and polar, at codon 254 of the AIMP2 protein (p.Ala254Thr). This variant is present in population databases (rs767430426, gnomAD 0.02%). This variant has not been reported in the literature in individuals affected with AIMP2-related conditions. Algorithms developed to predict the effect of missense changes on protein structure and function are either unavailable or do not agree on the potential impact of this missense change (SIFT: "Deleterious"; PolyPhen-2: "Benign"; Align-GVGD: "Class C0"). In summary, the available evidence is currently insufficient to determine the role of this variant in disease. Therefore, it has been classified as a Variant of Uncertain Significance.

NM_006303.4(AIMP2):c.760G>A (p.Ala254Thr)

Genes: EIF2AK1 (eukaryotic translation initiation factor 2 alpha kinase 1; minus strand), AIMP2 (aminoacyl tRNA synthetase complex interacting multifunctional protein 2; plus strand). Cytogenetic location: 7p22.1.
Variant type: single nucleotide variant.
Coding change: c.760G>A on transcript NM_006303.4 (MANE Select); coding-DNA position 760, G replaced by A.
Protein change: p.Ala254Thr; replaces alanine 254 with threonine.
Molecular consequence: missense variant. On other transcripts: 3 prime UTR variant (2).
Genome position (GRCh38, 1-based): chr7:6,023,488, G>A. VCF-style: chr7-6023488-G-A. GRCh37 (hg19) VCF-style: chr7-6063119-G-A.
Other names: c.*1185C>T (NM_001134335.2, NM_014413.4); c.640G>A, p.Ala214Thr (NM_001326606.2); c.553G>A, p.Ala185Thr (NM_001326607.2); c.526G>A, p.Ala176Thr (NM_001326609.2, NM_001326610.2, NM_001326611.3); c.673G>A, p.Ala225Thr (NM_001362785.2); c.628G>A, p.Ala210Thr (NM_001362787.2); short protein forms A210T, A214T, A254T, A225T, A176T, A185T.
Identifiers: ClinVar variation 1404312 (VCV001404312.5), dbSNP rs767430426, ClinGen allele CA4150472.